The following is an entry in ClinVar:

ClinVar aggregate classification (germline): Pathogenic (1 of 4 stars; one submission).

Conditions:
Osteogenesis imperfecta type I (OI1). Also called: Classic Non-deforming Osteogenesis Imperfecta with Blue Sclerae; Lobstein's Disease; Lobstein disease; OI, TYPE I; OSTEOGENESIS IMPERFECTA TARDA; OSTEOGENESIS IMPERFECTA WITH BLUE SCLERAE. Identifiers: Orphanet 216796, Orphanet 666, MedGen C0023931, MONDO:0008146, OMIM 166200. Disease mechanism: loss of function.

Submission:

Labcorp Genetics (formerly Invitae), Labcorp
Classification: Pathogenic for Osteogenesis imperfecta type I. Last evaluated: 2023-01-19. Review status: criteria provided, single submitter. Criteria: Invitae Variant Classification Sherloc (09022015). Collection method: clinical testing. Allele origin: germline.
Comment: For these reasons, this variant has been classified as Pathogenic. Algorithms developed to predict the effect of sequence changes on RNA splicing suggest that this variant may disrupt the consensus splice site. ClinVar contains an entry for this variant (Variation ID: 1431045). This sequence change affects an acceptor splice site in intron 29 of the COL1A1 gene. It is expected to disrupt RNA splicing. Variants that disrupt the donor or acceptor splice site typically lead to a loss of protein function (PMID: 16199547), and loss-of-function variants in COL1A1 are known to be pathogenic (PMID: 7942841, 9295084, 9443882). Disruption of this splice site has been observed in individuals with osteogenesis imperfecta (PMID: 25963598; Invitae). This variant is not present in population databases (gnomAD no frequency).

Literature cited by the submitters: PubMed 16199547; PubMed 7942841; PubMed 9295084; PubMed 9443882; PubMed 25963598.

NM_000088.4(COL1A1):c.1984-1G>A

Gene: COL1A1 (collagen type I alpha 1 chain; minus strand). Cytogenetic location: 17q21.33.
Variant type: single nucleotide variant.
Coding change: c.1984-1G>A on transcript NM_000088.4 (MANE Select); the canonical splice acceptor site of the intron before coding-DNA position 1984, G replaced by A.
Molecular consequence: splice acceptor variant.
Genome position (GRCh38, 1-based): chr17:50,192,025, C>T on the plus strand (G>A on the coding strand, the complement: COL1A1 is on the minus strand). VCF-style: chr17-50192025-C-T. GRCh37 (hg19) VCF-style: chr17-48269386-C-T.
Identifiers: ClinVar variation 1431045 (VCV001431045.8), dbSNP rs2144561474, ClinGen allele CA400212638.
Genomic context (GRCh38, chr17:50,192,025, plus strand): 5'-GAGAGGCCTACTTACTCTTGCTCCAGAGGGGCCAGGGGCGCCAAGGTCTCCAGGAACACC[C>T]TGAGGGGGAGGGAGAGAGGAACAGACAGTGAGCAAAACCCACCTGGGGCCACTCTGCTGG-3'